The following is an entry in ClinVar:

NM_001164508.2(NEB):c.6455A>G (p.Asn2152Ser)

Gene: NEB (nebulin; minus strand). Cytogenetic location: 2q23.3.
Variant type: single nucleotide variant.
Coding change: c.6455A>G on transcript NM_001164508.2 (MANE Select); coding-DNA position 6455, A replaced by G.
Protein change: p.Asn2152Ser; replaces asparagine 2152 with serine.
Molecular consequence: missense variant.
Genome position (GRCh38, 1-based): chr2:151,656,193, T>C on the plus strand (A>G on the coding strand, the complement: NEB is on the minus strand). VCF-style: chr2-151656193-T-C. GRCh37 (hg19) VCF-style: chr2-152512707-T-C.
Other names: c.6455A>G, p.Asn2152Ser (NM_001164507.2, NM_001271208.2, NM_004543.5); short protein forms N2152S.
Identifiers: ClinVar variation 2145039 (VCV002145039.4), dbSNP rs2552252852, ClinGen allele CA348798568.

ClinVar aggregate classification (germline): Uncertain significance (1 of 4 stars; one submission).

Conditions:
Nemaline myopathy 2 (NEM2). Also called: Nemaline myopathy 2, autosomal recessive. Identifiers: MedGen C1850569, MONDO:0009725, OMIM 256030.

Submission:

Labcorp Genetics (formerly Invitae), Labcorp
Classification: Uncertain significance for Nemaline myopathy 2. Last evaluated: 2022-08-08. Review status: criteria provided, single submitter. Criteria: Invitae Variant Classification Sherloc (09022015). Collection method: clinical testing. Allele origin: germline.
Comment: This sequence change replaces asparagine, which is neutral and polar, with serine, which is neutral and polar, at codon 2152 of the NEB protein (p.Asn2152Ser). This variant is not present in population databases (gnomAD no frequency). This variant has not been reported in the literature in individuals affected with NEB-related conditions. Algorithms developed to predict the effect of missense changes on protein structure and function output the following: SIFT: "Tolerated"; PolyPhen-2: "Not Available"; Align-GVGD: "Class C0". The serine amino acid residue is found in multiple mammalian species, which suggests that this missense change does not adversely affect protein function. In summary, the available evidence is currently insufficient to determine the role of this variant in disease. Therefore, it has been classified as a Variant of Uncertain Significance.